The following is an entry in ClinVar:

NM_006031.6(PCNT):c.4100G>A (p.Ser1367Asn)

Gene: PCNT (pericentrin; plus strand). Cytogenetic location: 21q22.3.
Variant type: single nucleotide variant.
Coding change: c.4100G>A on transcript NM_006031.6 (MANE Select); coding-DNA position 4100, G replaced by A.
Protein change: p.Ser1367Asn; replaces serine 1367 with asparagine.
Molecular consequence: missense variant.
Genome position (GRCh38, 1-based): chr21:46,391,260, G>A. VCF-style: chr21-46391260-G-A. GRCh37 (hg19) VCF-style: chr21-47811175-G-A.
Other names: c.3746G>A, p.Ser1249Asn (NM_001315529.2); short protein forms S1249N, S1367N.
Identifiers: ClinVar variation 3350034 (VCV003350034.1).

ClinVar aggregate classification (germline): Uncertain significance (0 of 4 stars; one submission).

Conditions:
PCNT-related disorder. Also called: PCNT-related condition.

gnomAD v4.1: 51 of 1,600,066 alleles (0.0032%); highest among the groups gnomAD compares: Non-Finnish European, 0.0043%; no homozygotes.

Submission:

PreventionGenetics, part of Exact Sciences
Classification: Uncertain significance for PCNT-related condition. Last evaluated: 2024-02-14. Review status: no assertion criteria provided. Collection method: clinical testing. Allele origin: germline.
Comment: The PCNT c.4100G>A variant is predicted to result in the amino acid substitution p.Ser1367Asn. To our knowledge, this variant has not been reported in the literature. This variant is reported in 0.0030% of alleles in individuals of European (Non-Finnish) descent in gnomAD. At this time, the clinical significance of this variant is uncertain due to the absence of conclusive functional and genetic evidence.